The following is an entry in ClinVar:

GRCh37/hg19 1q21.2(chr1:148591245-148757827)x3

Genes: NBPF15 (NBPF member 15; minus strand), PPIAL4E (peptidylprolyl isomerase A like 4E; minus strand). Cytogenetic location: 1q21.2.
Variant type: copy number gain.
Change: copy number 3 (three copies instead of two) of chr1:148,591,245-148,757,827 (166.6 kb, GRCh37 coordinates, 1-based), cytogenetic band 1q21.2.
Identifiers: ClinVar variation 393958 (VCV000393958.3).

ClinVar aggregate classification (germline): Benign/Likely benign (0 of 4 stars; one submission).

Submission:

ISCA Site 6
Classification: Benign/Likely benign. Review status: no assertion criteria provided. Collection method: clinical testing. Allele origin: unknown. Affected: yes. Observed: 10 variant alleles. Clinical features observed: Developmental delay AND/OR other significant developmental or morphological phenotypes.
Comment: Likely benign (1), Benign (9)

Copy number variation identified through the course of routine clinical cytogenomic testing in postnatal populations, with clinical assertions as classified by the original submitter. For data from the original published study, Kaminsky, et al. 2011 (PubMed 21844811), please see nstd101.